The following is an entry in ClinVar:

ClinVar aggregate classification (germline): Uncertain significance (1 of 4 stars; one submission).

gnomAD v4.1: 2 of 1,613,224 alleles (0.00012%); highest among the groups gnomAD compares: South Asian, 0.0011%; no homozygotes.

Submission:

Labcorp Genetics (formerly Invitae), Labcorp
Classification: Uncertain significance. Last evaluated: 2025-08-02. Review status: criteria provided, single submitter. Criteria: Invitae Variant Classification Sherloc (09022015). Collection method: clinical testing. Allele origin: germline.
Comment: This sequence change replaces glycine, which is neutral and non-polar, with cysteine, which is neutral and slightly polar, at codon 1342 of the ERBIN protein (p.Gly1342Cys). This variant is not present in population databases (gnomAD no frequency). This variant has not been reported in the literature in individuals affected with ERBIN-related conditions. An algorithm developed to predict the effect of missense changes on protein structure and function (PolyPhen-2) suggests that this variant is likely to be disruptive. In summary, the available evidence is currently insufficient to determine the role of this variant in disease. Therefore, it has been classified as a Variant of Uncertain Significance.

NM_001253697.2(ERBIN):c.4024G>T (p.Gly1342Cys)

Gene: ERBIN (erbb2 interacting protein; plus strand). Cytogenetic location: 5q12.3.
Variant type: single nucleotide variant.
Coding change: c.4024G>T on transcript NM_001253697.2 (MANE Select); coding-DNA position 4024, G replaced by T.
Protein change: p.Gly1342Cys; replaces glycine 1342 with cysteine.
Molecular consequence: missense variant.
Genome position (GRCh38, 1-based): chr5:66,076,376, G>T. VCF-style: chr5-66076376-G-T. GRCh37 (hg19) VCF-style: chr5-65372204-G-T.
Other names: c.3694G>T, p.Gly1232Cys (NM_001006600.3); c.3901G>T, p.Gly1301Cys (NM_001253698.2, NM_018695.4); c.4045G>T, p.Gly1349Cys (NM_001253699.2); c.3889G>T, p.Gly1297Cys (NM_001253701.2); short protein forms G1232C, G1297C, G1301C, G1342C, G1349C.
Identifiers: ClinVar variation 4809664 (VCV004809664.1).
Genomic context (GRCh38, chr5:66,076,376, plus strand): 5'-ATTCGAGTGAGGGTTGAAAAGGATCCAGAACTTGGATTTAGCATATCAGGTGGTGTCGGG[G>T]GTAGAGGAAACCCATTCAGACCTGATGATGATGTAAGTTTTCTTTGTATATTCTTGAAAC-3'
Protein context (NP_001240626.1, residues 1332-1352): LGFSISGGVG[Gly1342Cys]RGNPFRPDDD